The following is an entry in ClinVar:

NM_001005273.3(CHD3):c.3563C>G (p.Ala1188Gly)

Gene: CHD3 (chromodomain helicase DNA binding protein 3; plus strand). Cytogenetic location: 17p13.1.
Variant type: single nucleotide variant.
Coding change: c.3563C>G on transcript NM_001005273.3 (MANE Select); coding-DNA position 3563, C replaced by G.
Protein change: p.Ala1188Gly; replaces alanine 1188 with glycine.
Molecular consequence: missense variant.
Genome position (GRCh38, 1-based): chr17:7,903,339, C>G. VCF-style: chr17-7903339-C-G. GRCh37 (hg19) VCF-style: chr17-7806657-C-G.
Other names: c.3740C>G (NM_001005271.2); c.3740C>G, p.Ala1247Gly (NM_001005271.3); c.3563C>G, p.Ala1188Gly (NM_005852.4); short protein forms A1188G, A1247G.
Identifiers: ClinVar variation 2672140 (VCV002672140.3), dbSNP rs769694017, ClinGen allele CA8363121.

ClinVar aggregate classification (germline): Uncertain significance. Review status: criteria provided, multiple submitters, no conflicts (2 of 4 stars). 2 submissions from 2 submitters: Uncertain significance (2). Last evaluated 2025-04-09.

Conditions:
Snijders Blok-Campeau syndrome. Also called: INTELLECTUAL DEVELOPMENTAL DISORDER WITH MACROCEPHALY, SPEECH DELAY, AND DYSMORPHIC FACIES. Identifiers: Orphanet 599082, MedGen C4748701, MONDO:0032600, OMIM 618205.
Inborn genetic diseases. Identifiers: MedGen C0950123, MeSH D030342.

Allele frequency attached by ClinVar (database versions not stated): ExAC 0.00001; gnomAD exomes 0.00001.
gnomAD v4.1: 8 of 1,614,148 alleles (0.0005%); highest among the groups gnomAD compares: Non-Finnish European, 0.00068%; no homozygotes.

Submissions (2):

Ambry Genetics
Classification: Uncertain significance for Inborn genetic diseases. Last evaluated: 2025-04-09. Review status: criteria provided, single submitter. Criteria: Ambry Variant Classification Scheme 2023. Collection method: clinical testing. Allele origin: germline.

Clinical Genomics Laboratory, Washington University in St. Louis
Classification: Uncertain significance for Snijders Blok-Campeau syndrome. Last evaluated: 2023-09-22. Review status: criteria provided, single submitter. Criteria: ACMG Guidelines, 2015. Collection method: clinical testing. Allele origin: germline.
Comment: The CHD3 c.3563C>G (p.Ala1188Gly) variant, to our knowledge, has not been reported in the medical literature and is only observed on 1/251,474 alleles in the general population (gnomAD v.2.1.1), indicating it is not a common variant. This variant occurs in the helicase domain in a region with significant pathogenic/likely pathogenic variant clustering (Mutscore; Quinodoz M et al., PMID: 35120630) immediately upstream of a region that is enriched for pathogenic variation across highly related chromodomain proteins (PER viewer; Pérez-Palma E et al., PMID: 31871067), but computational predictors are uncertain as to the impact of this variant on CHD3 function. Additionally, another variant in the same codon, c.3562G>A (p.Ala1188Thr), is classified as likely pathogenic in ClinVar (Variation ID: 1710244). However, due to limited information, and based on ACMG/AMP guidelines for variant interpretation (Richards S et al., PMID: 25741868), the clinical significance of this variant is uncertain at this time.